The following is an entry in ClinVar:

ClinVar aggregate classification (germline): Uncertain significance. Review status: criteria provided, multiple submitters, no conflicts (2 of 4 stars). 2 submissions from 2 submitters: Uncertain significance (2). Last evaluated 2025-10-24.

Conditions:
Inborn genetic diseases. Identifiers: MedGen C0950123, MeSH D030342.

gnomAD v4.1: 14 of 1,614,120 alleles (0.00087%); highest among the groups gnomAD compares: East Asian, 0.0022%; no homozygotes.

Submissions (2):

Ambry Genetics
Classification: Uncertain significance for Inborn genetic diseases. Last evaluated: 2025-10-24. Review status: criteria provided, single submitter. Criteria: Ambry Variant Classification Scheme 2023. Collection method: clinical testing. Allele origin: germline.

Women's Health and Genetics/Laboratory Corporation of America, LabCorp
Classification: Uncertain significance. Last evaluated: 2025-05-30. Review status: criteria provided, single submitter. Criteria: LabCorp Variant Classification Summary - May 2015. Collection method: clinical testing. Allele origin: germline.
Comment: Variant summary: SRRM2 c.1589G>A (p.Arg530Gln) results in a conservative amino acid change in the encoded protein sequence. Algorithms developed to predict the effect of missense changes on protein structure and function all suggest that this variant is likely to be tolerated. The variant allele was found at a frequency of 1.2e-05 in 251382 control chromosomes. The available data on variant occurrences in the general population are insufficient to allow any conclusion about variant significance. To our knowledge, no occurrence of c.1589G>A in individuals affected with Intellectual Developmental Disorder, Autosomal Dominant 72 and no experimental evidence demonstrating its impact on protein function have been reported. No submitters have cited clinical-significance assessments for this variant to ClinVar. Based on the evidence outlined above, the variant was classified as uncertain significance.

NM_016333.4(SRRM2):c.1589G>A (p.Arg530Gln)

Gene: SRRM2 (serine/arginine repetitive matrix 2; plus strand). Cytogenetic location: 16p13.3.
Variant type: single nucleotide variant.
Coding change: c.1589G>A on transcript NM_016333.4 (MANE Select); coding-DNA position 1589, G replaced by A.
Protein change: p.Arg530Gln; replaces arginine 530 with glutamine.
Molecular consequence: missense variant.
Genome position (GRCh38, 1-based): chr16:2,762,117, G>A. VCF-style: chr16-2762117-G-A. GRCh37 (hg19) VCF-style: chr16-2812118-G-A.
Other names: c.1589G>A (NM_016333.3); short protein forms R530Q.
Identifiers: ClinVar variation 3902735 (VCV003902735.2).